The following is an entry in ClinVar:

ClinVar aggregate classification (germline): Uncertain significance (1 of 4 stars; one submission).

Conditions:
Hereditary cancer-predisposing syndrome. Also called: Neoplastic Syndromes, Hereditary; Tumor predisposition; Hereditary neoplastic syndrome; Hereditary Cancer Syndrome. Identifiers: Orphanet 140162, MedGen C0027672, MeSH D009386, MONDO:0015356.

Submission:

Ambry Genetics
Classification: Uncertain significance for Hereditary cancer-predisposing syndrome. Last evaluated: 2026-08-11. Review status: criteria provided, single submitter. Criteria: Ambry Variant Classification Scheme 2023. Collection method: clinical testing. Allele origin: germline.
Comment: The p.D27V variant (also known as c.80A>T), located in coding exon 2 of the BMPR1A gene, results from an A to T substitution at nucleotide position 80. The aspartic acid at codon 27 is replaced by valine, an amino acid with highly dissimilar properties. This amino acid position is conserved. In addition, the in silico prediction for this alteration is inconclusive. Based on the available evidence, the clinical significance of this variant remains unclear.

NM_004329.3(BMPR1A):c.80A>T (p.Asp27Val)

Gene: BMPR1A (bone morphogenetic protein receptor type 1A; plus strand). Cytogenetic location: 10q23.2.
Variant type: single nucleotide variant.
Coding change: c.80A>T on transcript NM_004329.3 (MANE Select); coding-DNA position 80, A replaced by T.
Protein change: p.Asp27Val; replaces aspartic acid 27 with valine.
Molecular consequence: missense variant. On other transcripts: 5 prime UTR variant (5), non-coding transcript variant (3).
Genome position (GRCh38, 1-based): chr10:86,890,074, A>T. VCF-style: chr10-86890074-A-T. GRCh37 (hg19) VCF-style: chr10-88649831-A-T.
Other names: c.80A>T, p.Asp27Val (NM_001406559.1, NM_001406560.1, NM_001406561.1 and 23 more transcripts); c.-5A>T (NM_001406584.1, NM_001406585.1, NM_001406586.1 and 2 more transcripts); short protein forms D27V.
Identifiers: ClinVar variation 5033042 (VCV005033042.1).